The following is an entry in ClinVar:

ClinVar aggregate classification (germline): Uncertain significance. Review status: criteria provided, multiple submitters, no conflicts (2 of 4 stars). 4 submissions from 4 submitters: Uncertain significance (4). Last evaluated 2023-06-01.

Conditions:
Hereditary insensitivity to pain with anhidrosis (CIPA). Also called: NEUROPATHY, CONGENITAL SENSORY, WITH ANHIDROSIS; INSENSITIVITY TO PAIN, CONGENITAL, WITH ANHIDROSIS; NTRK1 Congenital Insensitivity to Pain with Anhidrosis; HSAN Type IV; FAMILIAL DYSAUTONOMIA, TYPE II; hereditary sensory and autonomic neuropathy type 4. Identifiers: Orphanet 642, MedGen C0020074, MONDO:0009746, OMIM 256800.

Allele frequency attached by ClinVar (database versions not stated): gnomAD exomes 0.00002; TOPMed 0.00002; ExAC 0.00004; ESP Exome Variant Server 0.00008.
gnomAD v4.1: 33 of 1,613,180 alleles (0.002%); highest among the groups gnomAD compares: Middle Eastern, 0.017%; 1 homozygote.

Submissions (4):

CeGaT Center for Human Genetics Tuebingen
Classification: Uncertain significance. Last evaluated: 2023-06-01. Review status: criteria provided, single submitter. Criteria: CeGaT Center For Human Genetics Tuebingen Variant Classification Criteria Version 2. Collection method: clinical testing. Allele origin: germline. Affected: yes. Observed: 1 variant allele.

Genome-Nilou Lab
Classification: Uncertain significance for Hereditary insensitivity to pain with anhidrosis. Last evaluated: 2023-04-11. Review status: criteria provided, single submitter. Criteria: ACMG Guidelines, 2015. Collection method: clinical testing. Allele origin: germline. Affected: no.

Labcorp Genetics (formerly Invitae), Labcorp
Classification: Uncertain significance for Hereditary insensitivity to pain with anhidrosis. Last evaluated: 2022-04-28. Review status: criteria provided, single submitter. Criteria: Invitae Variant Classification Sherloc (09022015). Collection method: clinical testing. Allele origin: germline.
Comment: This sequence change replaces valine, which is neutral and non-polar, with methionine, which is neutral and non-polar, at codon 321 of the NTRK1 protein (p.Val321Met). The frequency data for this variant in the population databases is considered unreliable, as metrics indicate poor data quality at this position in the gnomAD database. This variant has not been reported in the literature in individuals affected with NTRK1-related conditions. Advanced modeling of protein sequence and biophysical properties (such as structural, functional, and spatial information, amino acid conservation, physicochemical variation, residue mobility, and thermodynamic stability) performed at Invitae indicates that this missense variant is not expected to disrupt NTRK1 protein function. In summary, the available evidence is currently insufficient to determine the role of this variant in disease. Therefore, it has been classified as a Variant of Uncertain Significance.

Daryl Scott Lab, Baylor College of Medicine
Classification: Uncertain significance for Hereditary insensitivity to pain with anhidrosis. Review status: criteria provided, single submitter. Criteria: ACMG Guidelines, 2015. Collection method: clinical testing. Allele origin: maternal. Affected: yes. Observed: 1 compound heterozygote.
Comment: BS2, PM3

NM_002529.4(NTRK1):c.961G>A (p.Val321Met)

Gene: NTRK1 (neurotrophic receptor tyrosine kinase 1; plus strand). Cytogenetic location: 1q23.1.
Variant type: single nucleotide variant.
Coding change: c.961G>A on transcript NM_002529.4 (MANE Select); coding-DNA position 961, G replaced by A.
Protein change: p.Val321Met; replaces valine 321 with methionine.
Molecular consequence: missense variant.
Genome position (GRCh38, 1-based): chr1:156,873,743, G>A. VCF-style: chr1-156873743-G-A. GRCh37 (hg19) VCF-style: chr1-156843535-G-A.
Other names: c.961G>A, p.Val321Met (NM_001007204.1, NM_001012331.2); c.871G>A, p.Val291Met (NM_001007792.1); short protein forms V291M, V321M.
Identifiers: ClinVar variation 2185305 (VCV002185305.31), dbSNP rs369367198, ClinGen allele CA1169157.